The following is an entry in ClinVar:

NM_012213.3(MLYCD):c.732G>A (p.Ser244=)

Gene: MLYCD (malonyl-CoA decarboxylase; plus strand). Cytogenetic location: 16q23.3.
Variant type: single nucleotide variant.
Coding change: c.732G>A on transcript NM_012213.3 (MANE Select); coding-DNA position 732, G replaced by A.
Protein change: p.Ser244=; no amino-acid change (serine 244 retained).
Molecular consequence: synonymous variant.
Genome position (GRCh38, 1-based): chr16:83,908,216, G>A. VCF-style: chr16-83908216-G-A. GRCh37 (hg19) VCF-style: chr16-83941821-G-A.
Other names: p.S244S:TCG>TCA; p.Ser244=.
Identifiers: ClinVar variation 138235 (VCV000138235.15), dbSNP rs2278038, ClinGen allele CA292112.

ClinVar aggregate classification (germline): Benign. Review status: criteria provided, multiple submitters, no conflicts (2 of 4 stars). 5 submissions from 5 submitters: Benign (5). Last evaluated 2026-02-04.

Conditions:
Deficiency of malonyl-CoA decarboxylase. Also called: Malonic aciduria; MCD deficiency. Identifiers: Orphanet 943, MedGen C0342793, MONDO:0009556, OMIM 248360.

Allele frequency attached by ClinVar (database versions not stated): ESP Exome Variant Server 0.03485; gnomAD 0.04474 and 0.04539; TOPMed 0.04679; 1000 Genomes Project 30x 0.04700; 1000 Genomes Project 0.04812.
gnomAD v4.1: 81,531 of 1,614,072 alleles (5.1%); highest among the groups gnomAD compares: East Asian, 14%; 2,628 homozygotes.

Submissions (5):

Labcorp Genetics (formerly Invitae), Labcorp
Classification: Benign for Deficiency of malonyl-CoA decarboxylase. Last evaluated: 2026-02-04. Review status: criteria provided, single submitter. Criteria: Invitae Variant Classification Sherloc (09022015). Collection method: clinical testing. Allele origin: germline.

Mayo Clinic Laboratories, Mayo Clinic
Classification: Benign. Last evaluated: 2021-11-25. Review status: criteria provided, single submitter. Criteria: ACMG Guidelines, 2015. Collection method: clinical testing. Allele origin: germline. Observed: 6 variant alleles.

Illumina Laboratory Services, Illumina
Classification: Benign for Deficiency of malonyl-CoA decarboxylase. Last evaluated: 2018-01-12. Review status: criteria provided, single submitter. Criteria: ICSL Variant Classification Criteria 13 December 2019. Collection method: clinical testing. Allele origin: germline.
Comment: This variant was observed in the ICSL laboratory as part of a predisposition screen in an ostensibly healthy population. It had not been previously curated by ICSL or reported in the Human Gene Mutation Database (HGMD: prior to June 1st, 2018), and was therefore a candidate for classification through an automated scoring system. Utilizing variant allele frequency, disease prevalence and penetrance estimates, and inheritance mode, an automated score was calculated to assess if this variant is too frequent to cause the disease. Based on the score and internal cut-off values, a variant classified as benign is not then subjected to further curation. The score for this variant resulted in a classification of benign for this disease.

GeneDx
Classification: Benign. Last evaluated: 2014-03-31. Review status: criteria provided, single submitter. Criteria: GeneDx Variant Classification (06012015). Collection method: clinical testing. Allele origin: germline. Affected: yes.
Comment: This variant is considered likely benign or benign based on one or more of the following criteria: it is a conservative change, it occurs at a poorly conserved position in the protein, it is predicted to be benign by multiple in silico algorithms, and/or has population frequency not consistent with disease.

Breakthrough Genomics
Classification: Benign. Review status: criteria provided, single submitter. Criteria: ACMG Guidelines, 2015. Collection method: not provided. Allele origin: germline. Inheritance: Autosomal recessive inheritance. Affected: yes.